The following is an entry in ClinVar:

NM_000535.7(PMS2):c.456C>T (p.Pro152=)

Gene: PMS2 (PMS1 homolog 2, mismatch repair system component; minus strand). Cytogenetic location: 7p22.1.
Variant type: single nucleotide variant.
Coding change: c.456C>T on transcript NM_000535.7 (MANE Select); coding-DNA position 456, C replaced by T.
Protein change: p.Pro152=; no amino-acid change (proline 152 retained).
Molecular consequence: synonymous variant. On other transcripts: 5 prime UTR variant (2), non-coding transcript variant (1).
Genome position (GRCh38, 1-based): chr7:6,002,534, G>A on the plus strand (C>T on the coding strand, the complement: PMS2 is on the minus strand). VCF-style: chr7-6002534-G-A. GRCh37 (hg19) VCF-style: chr7-6042165-G-A.
Other names: c.51C>T, p.Pro17= (NM_001322003.2, NM_001322004.2, NM_001322005.2 and 3 more transcripts); c.456C>T, p.Pro152= (NM_001322006.2, NM_001322014.2); c.138C>T, p.Pro46= (NM_001322007.2, NM_001322008.2); c.-429C>T (NM_001322011.2, NM_001322012.2); c.147C>T, p.Pro49= (NM_001322015.2).
Identifiers: ClinVar variation 384665 (VCV000384665.16), dbSNP rs1057522031, ClinGen allele CA16605855.

ClinVar aggregate classification (germline): Benign/Likely benign. Review status: criteria provided, multiple submitters, no conflicts (2 of 4 stars). 5 submissions from 5 submitters: Benign (1); Likely benign (4). Last evaluated 2026-04-19.

Conditions:
Hereditary cancer-predisposing syndrome. Also called: Tumor predisposition; Hereditary neoplastic syndrome; Neoplastic Syndromes, Hereditary; Hereditary Cancer Syndrome. Identifiers: Orphanet 140162, MedGen C0027672, MeSH D009386, MONDO:0015356.
Hereditary nonpolyposis colorectal neoplasms. Identifiers: MedGen C0009405, MeSH D003123.
Lynch syndrome 4 (LYNCH4). Also called: Colorectal cancer, hereditary nonpolyposis, type 4; Hereditary non-polyposis colorectal cancer, type 4. Identifiers: Orphanet 144, MedGen C1838333, MONDO:0013699, OMIM 614337. Disease mechanism: loss of function.

Allele frequency attached by ClinVar (database versions not stated): gnomAD exomes below 0.00001.
gnomAD v4.1: 1 of 1,611,750 alleles (0.000062%); highest among the groups gnomAD compares: Non-Finnish European, 0.000085%; no homozygotes.

Submissions (5):

Women's Health and Genetics/Laboratory Corporation of America, LabCorp
Classification: Likely benign. Last evaluated: 2026-04-19. Review status: criteria provided, single submitter. Criteria: LabCorp Variant Classification Summary - May 2015. Collection method: clinical testing. Allele origin: germline.

Labcorp Genetics (formerly Invitae), Labcorp
Classification: Likely benign for Hereditary nonpolyposis colorectal neoplasms. Last evaluated: 2025-03-05. Review status: criteria provided, single submitter. Criteria: Invitae Variant Classification Sherloc (09022015). Collection method: clinical testing. Allele origin: germline.

Myriad Genetics, Inc.
Classification: Benign for Lynch syndrome 4. Last evaluated: 2025-01-27. Review status: criteria provided, single submitter. Criteria: Myriad Autosomal Dominant, Autosomal Recessive and X-Linked Classification Criteria (2023). Collection method: clinical testing. Allele origin: unknown.
Comment: This variant is considered benign. This variant is a silent/synonymous amino acid change and it is not expected to impact splicing.

Ambry Genetics
Classification: Likely benign for Hereditary cancer-predisposing syndrome. Last evaluated: 2020-03-09. Review status: criteria provided, single submitter. Criteria: Ambry Variant Classification Scheme 2023. Collection method: clinical testing. Allele origin: germline.

GeneDx
Classification: Likely benign. Last evaluated: 2018-09-11. Review status: criteria provided, single submitter. Criteria: GeneDx Variant Classification Process June 2021. Collection method: clinical testing. Allele origin: germline. Affected: yes.